The following is an entry in ClinVar:

NM_001367624.2(ZNF469):c.793G>A (p.Gly265Ser)

Gene: ZNF469 (zinc finger protein 469; plus strand). Cytogenetic location: 16q24.2.
Variant type: single nucleotide variant.
Coding change: c.793G>A on transcript NM_001367624.2 (MANE Select); coding-DNA position 793, G replaced by A.
Protein change: p.Gly265Ser; replaces glycine 265 with serine.
Molecular consequence: missense variant.
Genome position (GRCh38, 1-based): chr16:88,428,263, G>A. VCF-style: chr16-88428263-G-A. GRCh37 (hg19) VCF-style: chr16-88494671-G-A.
Other names: NM_001127464.1:c.793G>A; short protein forms G265S.
Identifiers: ClinVar variation 1497889 (VCV001497889.6), dbSNP rs754776767, ClinGen allele CA8224628.
Genomic context (GRCh38, chr16:88,428,263, plus strand): 5'-GGTGCTAATTTCGGGGTTCCCCCCGCCGAGCCGGAACCTATTCCCAAAGGCAGCAGGCCC[G>A]GCGGCAGCCCCAGGGGAGTTTCCTTCCAGTTCCCCTTCCCGGCACTGCATGGGGCCAGCA-3'
Protein context (NP_001354553.1, residues 255-275): PEPIPKGSRP[Gly265Ser]GSPRGVSFQF

ClinVar aggregate classification (germline): Conflicting classifications of pathogenicity. Review status: criteria provided, conflicting classifications (1 of 4 stars). 3 submissions from 3 submitters: Uncertain significance (2); Likely benign (1). Last evaluated 2024-02-29.

Conditions:
Cardiovascular phenotype. Identifiers: MedGen CN230736.
Brittle cornea syndrome 1 (BCS1). Also called: CORNEAL FRAGILITY, KERATOGLOBUS, BLUE SCLERAE, JOINT HYPEREXTENSIBILITY; EDS6B; FRAGILITAS OCULI WITH JOINT HYPEREXTENSIBILITY; Corneal fragility keratoglobus, blue sclerae AND joint hypermobility; DYSGENESIS MESODERMALIS CORNEAE ET SCLERAE. Identifiers: Orphanet 90354, MedGen C0268344, MONDO:0024543, OMIM 229200.

Allele frequency attached by ClinVar (database versions not stated): gnomAD exomes 0.00003 and 0.00010; gnomAD 0.00004 and 0.00005; TOPMed 0.00006; ExAC 0.00029.
gnomAD v4.1: 46 of 1,550,280 alleles (0.003%); highest among the groups gnomAD compares: East Asian, 0.059%; no homozygotes.

Submissions (3):

Fulgent Genetics
Classification: Uncertain significance for Brittle cornea syndrome 1. Last evaluated: 2024-02-29. Review status: criteria provided, single submitter. Criteria: ACMG Guidelines, 2015. Collection method: clinical testing. Allele origin: germline.

Ambry Genetics
Classification: Likely benign for Cardiovascular phenotype. Last evaluated: 2024-02-05. Review status: criteria provided, single submitter. Criteria: Ambry Variant Classification Scheme 2023. Collection method: clinical testing. Allele origin: germline.

Labcorp Genetics (formerly Invitae), Labcorp
Classification: Uncertain significance. Last evaluated: 2021-12-19. Review status: criteria provided, single submitter. Criteria: Invitae Variant Classification Sherloc (09022015). Collection method: clinical testing. Allele origin: germline.
Comment: This sequence change replaces glycine, which is neutral and non-polar, with serine, which is neutral and polar, at codon 265 of the ZNF469 protein (p.Gly265Ser). This variant is present in population databases (rs754776767, gnomAD 0.09%). This variant has not been reported in the literature in individuals affected with ZNF469-related conditions. Algorithms developed to predict the effect of missense changes on protein structure and function output the following: SIFT: "Tolerated"; PolyPhen-2: "Benign"; Align-GVGD: "Class C0". The serine amino acid residue is found in multiple mammalian species, which suggests that this missense change does not adversely affect protein function. In summary, the available evidence is currently insufficient to determine the role of this variant in disease. Therefore, it has been classified as a Variant of Uncertain Significance.